The following is an entry in ClinVar:

NM_005909.5(MAP1B):c.3258T>A (p.His1086Gln)

Gene: MAP1B (microtubule associated protein 1B; plus strand). Cytogenetic location: 5q13.2.
Variant type: single nucleotide variant.
Coding change: c.3258T>A on transcript NM_005909.5 (MANE Select); coding-DNA position 3258, T replaced by A.
Protein change: p.His1086Gln; replaces histidine 1086 with glutamine.
Molecular consequence: missense variant.
Genome position (GRCh38, 1-based): chr5:72,196,613, T>A. VCF-style: chr5-72196613-T-A. GRCh37 (hg19) VCF-style: chr5-71492440-T-A.
Other names: c.2880T>A, p.His960Gln (NM_001324255.2); short protein forms H1086Q, H960Q.
Identifiers: ClinVar variation 4979387 (VCV004979387.1).

ClinVar aggregate classification (germline): Likely benign (1 of 4 stars; one submission).

Conditions:
MAP1B-related disorder. Also called: MAP1B-related condition.

gnomAD v4.1: 71 of 1,613,888 alleles (0.0044%); highest among the groups gnomAD compares: African/African-American, 0.049%; no homozygotes.

Submission:

PreventionGenetics, part of Exact Sciences
Classification: Likely benign for MAP1B-related condition. Last evaluated: 2025-10-22. Review status: criteria provided, single submitter. Criteria: ACMG Guidelines, 2015. Collection method: clinical testing. Allele origin: germline.
Comment: This variant is classified as likely benign based on ACMG/AMP sequence variant interpretation guidelines (Richards et al. 2015 PMID: 25741868, with internal and published modifications).